The following is an entry in ClinVar:

NM_015932.6(POMP):c.259C>G (p.Gln87Glu)

Gene: POMP (proteasome maturation protein; plus strand). Cytogenetic location: 13q12.3.
Variant type: single nucleotide variant.
Coding change: c.259C>G on transcript NM_015932.6 (MANE Select); coding-DNA position 259, C replaced by G.
Protein change: p.Gln87Glu; replaces glutamine 87 with glutamic acid.
Molecular consequence: missense variant.
Genome position (GRCh38, 1-based): chr13:28,668,569, C>G. VCF-style: chr13-28668569-C-G. GRCh37 (hg19) VCF-style: chr13-29242706-C-G.
Other names: short protein forms Q87E.
Identifiers: ClinVar variation 1500851 (VCV001500851.6), dbSNP rs2137795224, ClinGen allele CA387803622.
Genomic context (GRCh38, chr13:28,668,569, plus strand): 5'-CTGAGAAACATTCAGGGTCTATTTGCTCCGCTAAAATTACAGATGGAATTCAAGGCAGTG[C>G]AGCAGGTGAGTTGATGGATCTCTGTTGCATATGTGTCGATATCATTCATGAGGAATCTTC-3'
Protein context (NP_057016.1, residues 77-97): LKLQMEFKAV[Gln87Glu]QVQRLPFLSS

ClinVar aggregate classification (germline): Uncertain significance (1 of 4 stars; one submission).

Submission:

Labcorp Genetics (formerly Invitae), Labcorp
Classification: Uncertain significance. Last evaluated: 2025-08-01. Review status: criteria provided, single submitter. Criteria: Invitae Variant Classification Sherloc (09022015). Collection method: clinical testing. Allele origin: germline.
Comment: This sequence change replaces glutamine, which is neutral and polar, with glutamic acid, which is acidic and polar, at codon 87 of the POMP protein (p.Gln87Glu). This variant is not present in population databases (gnomAD no frequency). This variant has not been reported in the literature in individuals affected with POMP-related conditions. ClinVar contains an entry for this variant (Variation ID: 1500851). An algorithm developed to predict the effect of missense changes on protein structure and function (PolyPhen-2) suggests that this variant is likely to be tolerated. In summary, the available evidence is currently insufficient to determine the role of this variant in disease. Therefore, it has been classified as a Variant of Uncertain Significance.